The following is an entry in ClinVar:

ClinVar aggregate classification (germline): Benign/Likely benign. Review status: criteria provided, multiple submitters, no conflicts (2 of 4 stars). 7 submissions from 7 submitters: Benign (3); Likely benign (3). 1 of the submissions does not count toward it. Last evaluated 2024-11-25.

Conditions:
TNC-related disorder. Also called: TNC-related condition.
Autosomal dominant nonsyndromic hearing loss 56. Also called: Deafness, autosomal dominant 56. Identifiers: Orphanet 90635, MedGen C3810170, MONDO:0014283, OMIM 615629.

Allele frequency attached by ClinVar (database versions not stated): gnomAD exomes 0.00058; ExAC 0.00073; gnomAD 0.00214 and 0.00226; TOPMed 0.00236; ESP Exome Variant Server 0.00254; 1000 Genomes Project 0.00339; 1000 Genomes Project 30x 0.00359.
gnomAD v4.1: 640 of 1,613,930 alleles (0.04%); highest among the groups gnomAD compares: African/African-American, 0.79%; 4 homozygotes.

Submissions (7):

Blueprint Genetics
Classification: Likely benign. Last evaluated: 2024-11-25. Review status: criteria provided, single submitter. Criteria: ACMG Guidelines, 2015. Collection method: clinical testing. Allele origin: germline.

Genome-Nilou Lab
Classification: Benign for Autosomal dominant nonsyndromic hearing loss 56. Last evaluated: 2022-03-15. Review status: criteria provided, single submitter. Criteria: ACMG Guidelines, 2015. Collection method: clinical testing. Allele origin: germline. Affected: no.

GeneDx
Classification: Likely benign. Last evaluated: 2021-05-27. Review status: criteria provided, single submitter. Criteria: GeneDx Variant Classification Process June 2021. Collection method: clinical testing. Allele origin: germline. Affected: yes.

Labcorp Genetics (formerly Invitae), Labcorp
Classification: Benign. Last evaluated: 2019-12-31. Review status: criteria provided, single submitter. Criteria: Invitae Variant Classification Sherloc (09022015). Collection method: clinical testing. Allele origin: germline.

Athena Diagnostics
Classification: Benign. Last evaluated: 2019-08-05. Review status: criteria provided, single submitter. Criteria: Athena Diagnostics Criteria. Collection method: clinical testing. Allele origin: germline.

Breakthrough Genomics
Classification: Likely benign. Review status: criteria provided, single submitter. Criteria: ACMG Guidelines, 2015. Collection method: not provided. Allele origin: germline. Inheritance: Autosomal dominant inheritance. Affected: yes.

PreventionGenetics, part of Exact Sciences
Classification: Benign for TNC-related condition. Last evaluated: 2021-01-04. Review status: no assertion criteria provided. Collection method: clinical testing. Allele origin: germline. Not counted in ClinVar's aggregate classification.
Comment: This variant is classified as benign based on ACMG/AMP sequence variant interpretation guidelines (Richards et al. 2015 PMID: 25741868, with internal and published modifications).

NM_002160.4(TNC):c.945C>T (p.Cys315=)

Gene: TNC (tenascin C; minus strand). Cytogenetic location: 9q33.1.
Variant type: single nucleotide variant.
Coding change: c.945C>T on transcript NM_002160.4 (MANE Select); coding-DNA position 945, C replaced by T.
Protein change: p.Cys315=; no amino-acid change (cysteine 315 retained).
Molecular consequence: synonymous variant.
Genome position (GRCh38, 1-based): chr9:115,086,786, G>A on the plus strand (C>T on the coding strand, the complement: TNC is on the minus strand). VCF-style: chr9-115086786-G-A. GRCh37 (hg19) VCF-style: chr9-117849065-G-A.
Identifiers: ClinVar variation 776446 (VCV000776446.12), dbSNP rs148465701, ClinGen allele CA5208924.
Genomic context (GRCh38, chr9:115,086,786, plus strand): 5'-GCCTTCTTCGCAGTAGCAGGTGCCATTGATGCAGCGGCCCCGGTCGAAGCAGTCATTGGG[G>A]CAGATGAGCTCACTGCAGTCTTCGCCCGTGAAACCCTCATCACACACGCACTCATTCTCC-3'
Protein context (NP_002151.2, residues 305-325): FTGEDCSELI[Cys315=]PNDCFDRGRC